The following is an entry in ClinVar:

NM_006031.6(PCNT):c.9280G>C (p.Glu3094Gln)

Gene: PCNT (pericentrin; plus strand). Cytogenetic location: 21q22.3.
Variant type: single nucleotide variant.
Coding change: c.9280G>C on transcript NM_006031.6 (MANE Select); coding-DNA position 9280, G replaced by C.
Protein change: p.Glu3094Gln; replaces glutamic acid 3094 with glutamine.
Molecular consequence: missense variant.
Genome position (GRCh38, 1-based): chr21:46,440,089, G>C. VCF-style: chr21-46440089-G-C. GRCh37 (hg19) VCF-style: chr21-47860002-G-C.
Other names: c.8689G>C, p.Glu2897Gln (NM_001315529.2); short protein forms E2897Q, E3094Q.
Identifiers: ClinVar variation 899004 (VCV000899004.6), dbSNP rs1404639711, ClinGen allele CA410577199.

ClinVar aggregate classification (germline): Uncertain significance. Review status: criteria provided, multiple submitters, no conflicts (2 of 4 stars). 2 submissions from 2 submitters: Uncertain significance (2). Last evaluated 2025-07-22.

Conditions:
PCNT-related disorder. Also called: PCNT-related condition.
Microcephalic osteodysplastic primordial dwarfism type II (MOPD2). Also called: Microcephalic osteodysplastic primordial dwarfism with tooth abnormalities; MOPD II; OSTEODYSPLASTIC PRIMORDIAL DWARFISM, TYPE II. Identifiers: Orphanet 2637, MedGen C0432246, MONDO:0008872, OMIM 210720.

gnomAD v4.1: 3 of 1,614,102 alleles (0.00019%); highest among the groups gnomAD compares: Non-Finnish European, 0.00025%; no homozygotes.

Submissions (2):

PreventionGenetics, part of Exact Sciences
Classification: Uncertain significance for PCNT-related condition. Last evaluated: 2025-07-22. Review status: criteria provided, single submitter. Criteria: ACMG Guidelines, 2015. Collection method: clinical testing. Allele origin: germline.
Comment: The PCNT c.9280G>C variant is predicted to result in the amino acid substitution p.Glu3094Gln. To our knowledge, this variant has not been reported in the literature or in a large population database, indicating this variant is rare. At this time, the clinical significance of this variant is uncertain due to the absence of conclusive functional and genetic evidence.

Illumina Laboratory Services, Illumina
Classification: Uncertain significance for Microcephalic osteodysplastic primordial dwarfism type II. Last evaluated: 2018-01-13. Review status: criteria provided, single submitter. Criteria: ICSL Variant Classification Criteria 13 December 2019. Collection method: clinical testing. Allele origin: germline.